The following is an entry in ClinVar:

NM_001378778.1(MPDZ):c.3122C>T (p.Ala1041Val)

Gene: MPDZ (multiple PDZ domain crumbs cell polarity complex component; minus strand). Cytogenetic location: 9p23.
Variant type: single nucleotide variant.
Coding change: c.3122C>T on transcript NM_001378778.1 (MANE Select); coding-DNA position 3122, C replaced by T.
Protein change: p.Ala1041Val; replaces alanine 1041 with valine.
Molecular consequence: missense variant.
Genome position (GRCh38, 1-based): chr9:13,168,498, G>A on the plus strand (C>T on the coding strand, the complement: MPDZ is on the minus strand). VCF-style: chr9-13168498-G-A. GRCh37 (hg19) VCF-style: chr9-13168497-G-A.
Other names: c.3122C>T, p.Ala1041Val (NM_001261406.2, NM_001261407.2, NM_001330637.2 and 14 more transcripts); short protein forms A1041V.
Identifiers: ClinVar variation 2182445 (VCV002182445.3), dbSNP rs762359517, ClinGen allele CA4987250.
Genomic context (GRCh38, chr9:13,168,498, plus strand): 5'-GACTCTTCATTAATGGACAAGATGCAGTCCCCAATGGCAATCCGGCCATCTCGACTAATG[G>A]CACCTCCATGAATAATGCTTCGAACGATCATCCCCAAGCCATCTTTATTAGCACTAACTG-3'
Protein context (NP_001365707.1, residues 1031-1051): MIVRSIIHGG[Ala1041Val]ISRDGRIAIG

ClinVar aggregate classification (germline): Uncertain significance (1 of 4 stars; one submission).

Allele frequency attached by ClinVar (database versions not stated): ExAC 0.00001; gnomAD 0.00001; gnomAD exomes 0.00002; TOPMed 0.00002.
gnomAD v4.1: 35 of 1,613,158 alleles (0.0022%); highest among the groups gnomAD compares: Non-Finnish European, 0.0029%; no homozygotes.

Submission:

Labcorp Genetics (formerly Invitae), Labcorp
Classification: Uncertain significance. Last evaluated: 2024-10-04. Review status: criteria provided, single submitter. Criteria: Invitae Variant Classification Sherloc (09022015). Collection method: clinical testing. Allele origin: germline.
Comment: This sequence change replaces alanine, which is neutral and non-polar, with valine, which is neutral and non-polar, at codon 1041 of the MPDZ protein (p.Ala1041Val). This variant is present in population databases (rs762359517, gnomAD 0.004%). This variant has not been reported in the literature in individuals affected with MPDZ-related conditions. ClinVar contains an entry for this variant (Variation ID: 2182445). An algorithm developed to predict the effect of missense changes on protein structure and function (PolyPhen-2) suggests that this variant is likely to be tolerated. In summary, the available evidence is currently insufficient to determine the role of this variant in disease. Therefore, it has been classified as a Variant of Uncertain Significance.